The following is an entry in ClinVar:

NM_080680.3(COL11A2):c.2614C>T (p.Pro872Ser)

Gene: COL11A2 (collagen type XI alpha 2 chain; minus strand). Cytogenetic location: 6p21.32.
Variant type: single nucleotide variant.
Coding change: c.2614C>T on transcript NM_080680.3 (MANE Select); coding-DNA position 2614, C replaced by T.
Protein change: p.Pro872Ser; replaces proline 872 with serine.
Molecular consequence: missense variant.
Genome position (GRCh38, 1-based): chr6:33,173,715, G>A on the plus strand (C>T on the coding strand, the complement: COL11A2 is on the minus strand). VCF-style: chr6-33173715-G-A. GRCh37 (hg19) VCF-style: chr6-33141492-G-A.
Other names: c.2293C>T, p.Pro765Ser (NM_080679.3); c.2356C>T, p.Pro786Ser (NM_080681.3); short protein forms P765S, P786S, P872S.
Identifiers: ClinVar variation 1327636 (VCV001327636.3), dbSNP rs1280912715, ClinGen allele CA363642423.

ClinVar aggregate classification (germline): Uncertain significance. Review status: criteria provided, multiple submitters, no conflicts (2 of 4 stars). 2 submissions from 2 submitters: Uncertain significance (2). Last evaluated 2025-12-23.

gnomAD v4.1: 1 of 1,575,692 alleles (0.000063%); highest among the groups gnomAD compares: Non-Finnish European, 0.000086%; no homozygotes.

Submissions (2):

Labcorp Genetics (formerly Invitae), Labcorp
Classification: Uncertain significance. Last evaluated: 2025-12-23. Review status: criteria provided, single submitter. Criteria: Invitae Variant Classification Sherloc (09022015). Collection method: clinical testing. Allele origin: germline.
Comment: This sequence change replaces proline, which is neutral and non-polar, with serine, which is neutral and polar, at codon 872 of the COL11A2 protein (p.Pro872Ser). This variant is not present in population databases (gnomAD no frequency). This variant has not been reported in the literature in individuals affected with COL11A2-related conditions. ClinVar contains an entry for this variant (Variation ID: 1327636). Invitae Evidence Modeling of protein sequence and biophysical properties (such as structural, functional, and spatial information, amino acid conservation, physicochemical variation, residue mobility, and thermodynamic stability) indicates that this missense variant is not expected to disrupt COL11A2 protein function with a negative predictive value of 95%. In summary, the available evidence is currently insufficient to determine the role of this variant in disease. Therefore, it has been classified as a Variant of Uncertain Significance.

GeneDx
Classification: Uncertain significance. Last evaluated: 2021-06-11. Review status: criteria provided, single submitter. Criteria: GeneDx Variant Classification Process June 2021. Collection method: clinical testing. Allele origin: germline. Affected: yes.
Comment: Has not been previously published as pathogenic or benign to our knowledge; Not observed at significant frequency in large population cohorts (Lek et al., 2016); In silico analysis supports that this missense variant has a deleterious effect on protein structure/function; This variant is associated with the following publications: (PMID: 27535533)